The following is an entry in ClinVar:

ClinVar aggregate classification (germline): Conflicting classifications of pathogenicity. Review status: criteria provided, conflicting classifications (1 of 4 stars). 2 submissions from 2 submitters: Pathogenic (1); Uncertain significance (1). Last evaluated 2024-12-09.

Conditions:
Spastic paraplegia. Identifiers: MedGen C0037772, HP:0001258.
Inborn genetic diseases. Identifiers: MedGen C0950123, MeSH D030342.

Submissions (2):

Labcorp Genetics (formerly Invitae), Labcorp
Classification: Pathogenic for Spastic paraplegia. Last evaluated: 2024-12-09. Review status: criteria provided, single submitter. Criteria: Invitae Variant Classification Sherloc (09022015). Collection method: clinical testing. Allele origin: germline.
Comment: This sequence change creates a premature translational stop signal (p.Lys55Argfs*18) in the GBA2 gene. It is expected to result in an absent or disrupted protein product. Loss-of-function variants in GBA2 are known to be pathogenic (PMID: 23332916, 23332917). This variant is not present in population databases (gnomAD no frequency). This variant has not been reported in the literature in individuals affected with GBA2-related conditions. ClinVar contains an entry for this variant (Variation ID: 986271). For these reasons, this variant has been classified as Pathogenic.

Ambry Genetics
Classification: Uncertain significance for Inborn genetic diseases. Last evaluated: 2019-10-09. Review status: criteria provided, single submitter. Criteria: Ambry exome assertion method (8-5-2015). Collection method: clinical testing. Allele origin: germline. Affected: yes. Observed: 1 variant allele.

Literature cited by the submitters: PubMed 23332916 (cited by Labcorp Genetics (formerly Invitae), Labcorp); PubMed 23332917 (cited by Labcorp Genetics (formerly Invitae), Labcorp).

NM_020944.3(GBA2):c.164_165del (p.Lys55fs)

Gene: GBA2 (glucosylceramidase beta 2; minus strand). Cytogenetic location: 9p13.3.
Variant type: Deletion.
Coding change: c.164_165del on transcript NM_020944.3 (MANE Select); coding-DNA positions 164 to 165, 2 bases deleted (AA; older notation c.164_165delAA).
Protein change: p.Lys55fs; shifts the reading frame from lysine 55.
Molecular consequence: frameshift variant.
Genome position (GRCh38, 1-based): chr9:35,748,540-35,748,541, TT deleted on the plus strand (AA on the coding strand, the reverse complement: GBA2 is on the minus strand); deleting any 2 consecutive bases within chr9:35,748,540-35,748,543 gives the same sequence; the c. name uses the placement nearest the transcript's 3' end. VCF-style (leftmost placement, unchanged base first): chr9-35748539-CTT-C. GRCh37 (hg19) VCF-style: chr9-35748536-CTT-C.
Other names: c.164_165del, p.Lys55fs (NM_001330660.2); short protein forms K55fs.
Identifiers: ClinVar variation 986271 (VCV000986271.7), dbSNP rs1827116262, ClinGen allele CA1139660944.